The following is an entry in ClinVar:

ClinVar aggregate classification (germline): Likely benign. Review status: criteria provided, single submitter (1 of 4 stars). 2 submissions from 2 submitters: Likely benign (1). 1 of the submissions does not count toward it. Last evaluated 2025-04-20.

Conditions:
MYH3-related disorder. Also called: MYH3-related condition; MYH3-Related Disorders. Identifiers: MedGen CN239329.

Allele frequency attached by ClinVar (database versions not stated): ExAC 0.00002; gnomAD exomes 0.00002 and 0.00003; TOPMed 0.00004; gnomAD 0.00005 and 0.00006; ESP Exome Variant Server 0.00008.
gnomAD v4.1: 57 of 1,614,108 alleles (0.0035%); highest among the groups gnomAD compares: Admixed American, 0.005%; no homozygotes.

Submissions (2):

Labcorp Genetics (formerly Invitae), Labcorp
Classification: Likely benign. Last evaluated: 2025-04-20. Review status: criteria provided, single submitter. Criteria: Invitae Variant Classification Sherloc (09022015). Collection method: clinical testing. Allele origin: germline.

PreventionGenetics, part of Exact Sciences
Classification: Likely benign for MYH3-related condition. Last evaluated: 2024-05-22. Review status: no assertion criteria provided. Collection method: clinical testing. Allele origin: germline. Not counted in ClinVar's aggregate classification.
Comment: This variant is classified as likely benign based on ACMG/AMP sequence variant interpretation guidelines (Richards et al. 2015 PMID: 25741868, with internal and published modifications).

NM_002470.4(MYH3):c.1518C>T (p.Gly506=)

Gene: MYH3 (myosin heavy chain 3; minus strand). Cytogenetic location: 17p13.1.
Variant type: single nucleotide variant.
Coding change: c.1518C>T on transcript NM_002470.4 (MANE Select); coding-DNA position 1518, C replaced by T.
Protein change: p.Gly506=; no amino-acid change (glycine 506 retained).
Molecular consequence: synonymous variant.
Genome position (GRCh38, 1-based): chr17:10,642,889, G>A on the plus strand (C>T on the coding strand, the complement: MYH3 is on the minus strand). VCF-style: chr17-10642889-G-A. GRCh37 (hg19) VCF-style: chr17-10546206-G-A.
Other names: c.1518C>T (NM_002470.3).
Identifiers: ClinVar variation 1443671 (VCV001443671.7), dbSNP rs201500894, ClinGen allele CA8392994.